The following is an entry in ClinVar:

NM_024422.6(DSC2):c.877A>G (p.Thr293Ala)

Gene: DSC2 (desmocollin 2; minus strand). Cytogenetic location: 18q12.1.
Variant type: single nucleotide variant.
Coding change: c.877A>G on transcript NM_024422.6 (MANE Select); coding-DNA position 877, A replaced by G.
Protein change: p.Thr293Ala; replaces threonine 293 with alanine.
Molecular consequence: missense variant.
Genome position (GRCh38, 1-based): chr18:31,086,641, T>C on the plus strand (A>G on the coding strand, the complement: DSC2 is on the minus strand). VCF-style: chr18-31086641-T-C. GRCh37 (hg19) VCF-style: chr18-28666604-T-C.
Other names: c.448A>G, p.Thr150Ala (NM_001406506.1, NM_001406507.1); c.877A>G, p.Thr293Ala (NM_004949.5); short protein forms T150A, T293A.
Identifiers: ClinVar variation 2150985 (VCV002150985.4), dbSNP rs2510951217, ClinGen allele CA402112034.

ClinVar aggregate classification (germline): Uncertain significance (1 of 4 stars; one submission).

Conditions:
Arrhythmogenic right ventricular dysplasia 11. Also called: Arrhythmogenic right ventricular dysplasia 11 with mild palmoplantar keratoderma and woolly hair; Arrhythmogenic Right Ventricular Dysplasia/Cardiomyopathy11; ARRHYTHMOGENIC RIGHT VENTRICULAR DYSPLASIA, FAMILIAL, 11. Identifiers: MedGen C1864850, MONDO:0012506, OMIM 610476.

Allele frequency attached by ClinVar (database versions not stated): gnomAD exomes below 0.00001.
gnomAD v4.1: 2 of 1,614,098 alleles (0.00012%); highest among the groups gnomAD compares: African/African-American, 0.0013%; no homozygotes.

Submission:

Labcorp Genetics (formerly Invitae), Labcorp
Classification: Uncertain significance for Arrhythmogenic right ventricular dysplasia 11. Last evaluated: 2022-03-28. Review status: criteria provided, single submitter. Criteria: Invitae Variant Classification Sherloc (09022015). Collection method: clinical testing. Allele origin: germline.
Comment: In summary, the available evidence is currently insufficient to determine the role of this variant in disease. Therefore, it has been classified as a Variant of Uncertain Significance. Algorithms developed to predict the effect of missense changes on protein structure and function are either unavailable or do not agree on the potential impact of this missense change (SIFT: "Tolerated"; PolyPhen-2: "Possibly Damaging"; Align-GVGD: "Class C0"). This variant has not been reported in the literature in individuals affected with DSC2-related conditions. This variant is not present in population databases (gnomAD no frequency). This sequence change replaces threonine, which is neutral and polar, with alanine, which is neutral and non-polar, at codon 293 of the DSC2 protein (p.Thr293Ala).